The following is an entry in ClinVar:

ClinVar aggregate classification (germline): Likely pathogenic (1 of 4 stars; one submission).

Allele frequency attached by ClinVar (database versions not stated): gnomAD 0.00001.
gnomAD v4.1: 1 of 1,613,188 alleles (0.000062%); highest among the groups gnomAD compares: Non-Finnish European, 0.000085%; no homozygotes.

Submission:

Labcorp Genetics (formerly Invitae), Labcorp
Classification: Likely pathogenic. Last evaluated: 2023-03-01. Review status: criteria provided, single submitter. Criteria: Invitae Variant Classification Sherloc (09022015). Collection method: clinical testing. Allele origin: germline.
Comment: This variant is not present in population databases (gnomAD no frequency). This sequence change affects an acceptor splice site in intron 65 of the FRAS1 gene. It is expected to disrupt RNA splicing. Variants that disrupt the donor or acceptor splice site typically lead to a loss of protein function (PMID: 16199547), and loss-of-function variants in FRAS1 are known to be pathogenic (PMID: 12766769, 18671281). This variant has not been reported in the literature in individuals affected with FRAS1-related conditions. Algorithms developed to predict the effect of sequence changes on RNA splicing suggest that this variant may disrupt the consensus splice site. In summary, the currently available evidence indicates that the variant is pathogenic, but additional data are needed to prove that conclusively. Therefore, this variant has been classified as Likely Pathogenic.

Literature cited by the submitters: PubMed 16199547; PubMed 12766769; PubMed 18671281.

NM_025074.7(FRAS1):c.10175-1G>A

Gene: FRAS1 (Fraser extracellular matrix complex subunit 1; plus strand). Cytogenetic location: 4q21.21.
Variant type: single nucleotide variant.
Coding change: c.10175-1G>A on transcript NM_025074.7 (MANE Select); the canonical splice acceptor site of the intron before coding-DNA position 10175, G replaced by A.
Molecular consequence: splice acceptor variant.
Genome position (GRCh38, 1-based): chr4:78,515,798, G>A. VCF-style: chr4-78515798-G-A. GRCh37 (hg19) VCF-style: chr4-79436952-G-A.
Identifiers: ClinVar variation 2793864 (VCV002793864.3), dbSNP rs1290441976, ClinGen allele CA357386630.